The following is an entry in ClinVar:

ClinVar aggregate classification (germline): Uncertain significance (1 of 4 stars; one submission).

Submission:

GeneDx
Classification: Uncertain significance. Last evaluated: 2022-08-19. Review status: criteria provided, single submitter. Criteria: GeneDx Variant Classification Process June 2021. Collection method: clinical testing. Allele origin: germline. Affected: yes.
Comment: Not observed at significant frequency in large population cohorts (gnomAD); In silico analysis supports a deleterious effect on protein structure/function; Has not been previously published as pathogenic or benign to our knowledge

NM_001382430.1(AKT1):c.1321_1322delinsTT (p.Glu441Leu)

Gene: AKT1 (AKT serine/threonine kinase 1; minus strand). Cytogenetic location: 14q32.33.
Variant type: Indel.
Coding change: c.1321_1322delinsTT on transcript NM_001382430.1 (MANE Select); coding-DNA positions 1321 to 1322, GA replaced by TT.
Protein change: p.Glu441Leu; replaces glutamic acid 441 with leucine.
Molecular consequence: missense variant.
Genome position (GRCh38, 1-based): chr14:104,770,786-104,770,787, TC replaced by AA on the plus strand (GA replaced by TT on the coding strand, the reverse complement: AKT1 is on the minus strand). VCF-style: chr14-104770786-TC-AA. GRCh37 (hg19) VCF-style: chr14-105237123-TC-AA.
Other names: c.1321_1322delinsTT, p.Glu441Leu (NM_001014431.2, NM_001014432.2, NM_001382431.1 and 3 more transcripts); short protein forms E441L.
Identifiers: ClinVar variation 1703437 (VCV001703437.2), dbSNP rs2542103251, ClinGen allele CA2580088471.